The following is an entry in ClinVar:

ClinVar aggregate classification (germline): Likely pathogenic (1 of 4 stars; one submission).

Conditions:
Nicolaides-Baraitser syndrome (NCBRS). Also called: Intellectual disability-sparse hair-brachydactyly syndrome; SMARCA2-Related Nicolaides-Baraitser Syndrome. Identifiers: Orphanet 3051, MedGen C1303073, MONDO:0011053, OMIM 601358.

Submission:

Broad Center for Mendelian Genomics, Broad Institute of MIT and Harvard
Classification: Likely pathogenic for Nicolaides-Baraitser syndrome. Last evaluated: 2026-03-02. Review status: criteria provided, single submitter. Criteria: ACMG Guidelines, 2015. Collection method: research. Allele origin: germline. Inheritance: Autosomal dominant inheritance.
Comment: Trio exome analysis showed this variant to be de novo. The p.Gly1164Arg variant in SMARCA2 has not been previously reported in the literature in individuals with Nicolaides-Baraitser syndrome and was absent from large population studies. Computational prediction tools and conservation analyses suggest that this variant may impact the protein, though this information is not predictive enough to determine pathogenicity. One additional likely pathogenic variant inducing the same amino acid change as this variant has been reported in association with Nicolaides-Baraitser syndrome in ClinVar, slightly supporting that this variant may be pathogenic (Variation ID: 1299136). The number of missense variants reported in SMARCA2 in the general population is lower than expected, suggesting there is little benign variation in this gene and slightly increasing the possibility that a missense variant in this gene may not be tolerated. In summary, although additional studies are required to fully establish its clinical significance, this variant is likely pathogenic for autosomal dominant Nicolaides-Baraitser syndrome. ACMG/AMP Criteria applied: PS2_moderate, PP2, PP3, PM2_supporting, PS1_supporting (Richards 2015).

NM_003070.5(SMARCA2):c.3490G>C (p.Gly1164Arg)

Gene: SMARCA2 (SWI/SNF related BAF chromatin remodeling complex subunit ATPase 2; plus strand). Cytogenetic location: 9p24.3.
Variant type: single nucleotide variant.
Coding change: c.3490G>C on transcript NM_003070.5 (MANE Select); coding-DNA position 3490, G replaced by C.
Protein change: p.Gly1164Arg; replaces glycine 1164 with arginine.
Molecular consequence: missense variant.
Genome position (GRCh38, 1-based): chr9:2,115,855, G>C. VCF-style: chr9-2115855-G-C. GRCh37 (hg19) VCF-style: chr9-2115855-G-C.
Other names: NM_139045.4:c.3490G>C; c.3490G>C, p.Gly1164Arg (NM_001289396.2, NM_139045.4); c.3316G>C, p.Gly1106Arg (NM_001289397.2); short protein forms G1106R, G1164R.
Identifiers: ClinVar variation 4819457 (VCV004819457.1).